The following is an entry in ClinVar:

NM_006904.7(PRKDC):c.4019G>T (p.Arg1340Leu)

Gene: PRKDC (protein kinase, DNA-activated, catalytic subunit; minus strand). Cytogenetic location: 8q11.21.
Variant type: single nucleotide variant.
Coding change: c.4019G>T on transcript NM_006904.7 (MANE Select); coding-DNA position 4019, G replaced by T.
Protein change: p.Arg1340Leu; replaces arginine 1340 with leucine.
Molecular consequence: missense variant.
Genome position (GRCh38, 1-based): chr8:47,890,309, C>A on the plus strand (G>T on the coding strand, the complement: PRKDC is on the minus strand). VCF-style: chr8-47890309-C-A. GRCh37 (hg19) VCF-style: chr8-48802870-C-A.
Other names: c.4019G>T, p.Arg1340Leu (NM_001081640.2); short protein forms R1340L.
Identifiers: ClinVar variation 1737080 (VCV001737080.2), dbSNP rs1341292239, ClinGen allele CA371148443.

ClinVar aggregate classification (germline): Uncertain significance (1 of 4 stars; one submission).

Submission:

Ambry Genetics
Classification: Uncertain significance. Last evaluated: 2021-12-10. Review status: criteria provided, single submitter. Criteria: Ambry Variant Classification Scheme 2023. Collection method: clinical testing. Allele origin: germline.
Comment: The p.R1340L variant (also known as c.4019G>T), located in coding exon 32 of the PRKDC gene, results from a G to T substitution at nucleotide position 4019. The arginine at codon 1340 is replaced by leucine, an amino acid with dissimilar properties. This amino acid position is conserved. Since supporting evidence is limited at this time, the clinical significance of this alteration remains unclear.